The following is an entry in ClinVar:

NM_020975.6(RET):c.3326T>G (p.Met1109Arg)

Gene: RET (ret proto-oncogene; plus strand). Cytogenetic location: 10q11.21.
Variant type: single nucleotide variant.
Coding change: c.3326T>G on transcript NM_020975.6 (MANE Select); coding-DNA position 3326, T replaced by G.
Protein change: p.Met1109Arg; replaces methionine 1109 with arginine.
Molecular consequence: missense variant.
Genome position (GRCh38, 1-based): chr10:43,128,250, T>G. VCF-style: chr10-43128250-T-G. GRCh37 (hg19) VCF-style: chr10-43623698-T-G.
Other names: c.3326T>G (NM_020975.4); short protein forms M1109R.
Identifiers: ClinVar variation 3381603 (VCV003381603.1), dbSNP rs587780813.

ClinVar aggregate classification (germline): Uncertain significance (1 of 4 stars; one submission).

Allele frequency attached by ClinVar (database versions not stated): TOPMed 0.00001.

Submission:

GeneDx
Classification: Uncertain significance. Last evaluated: 2024-05-21. Review status: criteria provided, single submitter. Criteria: GeneDx Variant Classification Process June 2021. Collection method: clinical testing. Allele origin: germline. Affected: yes.
Comment: Not observed at significant frequency in large population cohorts (gnomAD); In silico analysis indicates that this missense variant does not alter protein structure/function; Has not been previously published as pathogenic or benign to our knowledge; This variant is associated with the following publications: (PMID: 14633923)